The following is an entry in ClinVar:

ClinVar aggregate classification (germline): Pathogenic/Likely pathogenic. Review status: criteria provided, multiple submitters, no conflicts (2 of 4 stars). 4 submissions from 4 submitters: Pathogenic (2); Likely pathogenic (1). 1 of the submissions does not count toward it. Last evaluated 2026-03-16.

Conditions:
Hereditary breast ovarian cancer syndrome. Also called: BRCA1- and BRCA2-Associated Hereditary Breast and Ovarian Cancer; Hereditary breast and/or ovarian cancer syndrome; Hereditary breast and ovarian cancer; Breast and ovarian cancer; Hereditary breast and ovarian cancer syndrome (HBOC); Hereditary breast and ovarian cancer syndrome. Identifiers: Orphanet 145, MedGen C0677776, MeSH D061325, MONDO:0003582. Disease mechanism: loss of function.
Hereditary cancer-predisposing syndrome. Also called: Hereditary neoplastic syndrome; Neoplastic Syndromes, Hereditary; Hereditary Cancer Syndrome; Tumor predisposition. Identifiers: Orphanet 140162, MedGen C0027672, MeSH D009386, MONDO:0015356.
Breast-ovarian cancer, familial, susceptibility to, 2 (BROVCA2). Also called: BRCA2 Hereditary Breast and Ovarian Cancer. Identifiers: Orphanet 145, MedGen C2675520, MONDO:0012933, OMIM 612555. Disease mechanism: loss of function.

Allele frequency attached by ClinVar (database versions not stated): gnomAD exomes below 0.00001.

Submissions (4):

GeneDx
Classification: Pathogenic. Last evaluated: 2026-03-16. Review status: criteria provided, single submitter. Criteria: GeneDx Variant Classification Process June 2021. Collection method: clinical testing. Allele origin: germline.
Comment: Frameshift variant predicted to result in protein truncation or nonsense mediated decay in a gene for which loss of function is a known mechanism of disease; Not observed at significant frequency in large population cohorts (gnomAD); Truncating variants in this gene are considered pathogenic by a well-established clinical consortium and/or database; Also known as 3304_3305del; This variant is associated with the following publications: (PMID: 29308099)

Ambry Genetics
Classification: Pathogenic for Hereditary cancer-predisposing syndrome. Last evaluated: 2025-03-18. Review status: criteria provided, single submitter. Criteria: Ambry Variant Classification Scheme 2023. Collection method: clinical testing. Allele origin: germline.
Comment: The c.3076_3077delAA pathogenic mutation, located in coding exon 10 of the BRCA2 gene, results from a deletion of two nucleotides at nucleotide positions 3076 to 3077, causing a translational frameshift with a predicted alternate stop codon (p.K1026Efs*9). This alteration is expected to result in loss of function by premature protein truncation or nonsense-mediated mRNA decay. As such, this alteration is interpreted as a disease-causing mutation.

Women's Health and Genetics/Laboratory Corporation of America, LabCorp
Classification: Likely pathogenic for Hereditary breast ovarian cancer syndrome. Last evaluated: 2015-11-20. Review status: criteria provided, single submitter. Criteria: LabCorp Variant Classification Summary - May 2015. Collection method: clinical testing. Allele origin: germline.
Comment: Variant summary: The variant of interest causes a frameshift/truncating mutation and is predicted to have a "disease-causing" outcome by mutation taster. The variant is absent from the large and broad cohorts of the NHLBI-ES and ExAC projects and, to our knowledge, has not been reported in HBOC spectrum patients either. In vivo/vitro studies to describe the functional impact of the variant have not been published at the time of scoring. Variants overlapping with the variant of interest e.g. c.3076A>T p.Lys1026X (ARUP, BIC), p.3075_3076 delinsTT p.Lys1025AsnTer (UMD, ClinVar) have been reported in HBOC patients indicating that the variant of interest is located in a mutation hotspot. The variant of interest shows evidence for pathogenicity: it is a frameshift/truncating mutation and is absent from controls (ESP, ExAC), it is located in a mutational hotspot. Therefore it was classified as a Likely Pathogenic.

Counsyl
Classification: Likely pathogenic for Breast-ovarian cancer, familial, susceptibility to, 2. Last evaluated: 2016-05-05. Review status: no assertion criteria provided. Collection method: clinical testing. Allele origin: unknown. Not counted in ClinVar's aggregate classification.

NM_000059.4(BRCA2):c.3076_3077del (p.Lys1026fs)

Gene: BRCA2 (BRCA2 DNA repair associated; plus strand). Cytogenetic location: 13q13.1.
Variant type: Deletion.
Coding change: c.3076_3077del on transcript NM_000059.4 (MANE Select); coding-DNA positions 3076 to 3077, 2 bases deleted (AA; older notation c.3076_3077delAA).
Protein change: p.Lys1026fs; shifts the reading frame from lysine 1026.
Molecular consequence: frameshift variant.
Genome position (GRCh38, 1-based): chr13:32,337,431-32,337,432, AA deleted. VCF-style (leftmost placement, unchanged base first): chr13-32337430-GAA-G. GRCh37 (hg19) VCF-style: chr13-32911567-GAA-G.
Other names: c.3076_3077delAA (NM_000059.3); c.3076_3077del (NM_000059.3); short protein forms K1026fs.
Identifiers: ClinVar variation 371846 (VCV000371846.5), dbSNP rs1057517566, ClinGen allele CA16042138.
Genomic context (GRCh38, chr13:32,337,430, plus strand): 5'-TGGAGGTAGCTTCAGAACAGCTTCAAATAAGGAAATCAAGCTCTCTGAACATAACATTAA[GAA>G]GAGCAAAATGTTCTTCAAAGATATTGAAGAACAATATCCTACTAGTTTAGCTTGTGTTGA-3'